The following is an entry in ClinVar:

NM_017654.4(SAMD9):c.4095A>G (p.Ile1365Met)

Gene: SAMD9 (sterile alpha motif domain containing 9; minus strand). Cytogenetic location: 7q21.2.
Variant type: single nucleotide variant.
Coding change: c.4095A>G on transcript NM_017654.4 (MANE Select); coding-DNA position 4095, A replaced by G.
Protein change: p.Ile1365Met; replaces isoleucine 1365 with methionine.
Molecular consequence: missense variant.
Genome position (GRCh38, 1-based): chr7:93,102,003, T>C on the plus strand (A>G on the coding strand, the complement: SAMD9 is on the minus strand). VCF-style: chr7-93102003-T-C. GRCh37 (hg19) VCF-style: chr7-92731316-T-C.
Other names: c.4095A>G, p.Ile1365Met (NM_001193307.2); short protein forms I1365M.
Identifiers: ClinVar variation 3437037 (VCV003437037.1).

ClinVar aggregate classification (germline): Uncertain significance (1 of 4 stars; one submission).

Conditions:
Inborn genetic diseases. Identifiers: MedGen C0950123, MeSH D030342.

gnomAD v4.1: 3 of 1,613,596 alleles (0.00019%); highest among the groups gnomAD compares: African/African-American, 0.004%; no homozygotes.

Submission:

Ambry Genetics
Classification: Uncertain significance for Inborn genetic diseases. Last evaluated: 2024-11-24. Review status: criteria provided, single submitter. Criteria: Ambry Variant Classification Scheme 2023. Collection method: clinical testing. Allele origin: germline.
Comment: The p.I1365M variant (also known as c.4095A>G), located in coding exon 1 of the SAMD9 gene, results from an A to G substitution at nucleotide position 4095. The isoleucine at codon 1365 is replaced by methionine, an amino acid with highly similar properties. This amino acid position is conserved. In addition, this alteration is predicted to be tolerated by in silico analysis. Based on the available evidence, the clinical significance of this variant remains unclear.